The following is an entry in ClinVar:

NM_024334.3(TMEM43):c.50T>C (p.Val17Ala)

Gene: TMEM43 (transmembrane protein 43; plus strand). Cytogenetic location: 3p25.1.
Variant type: single nucleotide variant.
Coding change: c.50T>C on transcript NM_024334.3 (MANE Select); coding-DNA position 50, T replaced by C.
Protein change: p.Val17Ala; replaces valine 17 with alanine.
Molecular consequence: missense variant.
Genome position (GRCh38, 1-based): chr3:14,129,449, T>C. VCF-style: chr3-14129449-T-C. GRCh37 (hg19) VCF-style: chr3-14170949-T-C.
Other names: short protein forms V17A.
Identifiers: ClinVar variation 918692 (VCV000918692.5), dbSNP rs1695063437, ClinGen allele CA351534232.
Genomic context (GRCh38, chr3:14,129,449, plus strand): 5'-TGTTACTGTTTCTTTTTCTTCAGTATTCCAGTACCAGTACCCGGAGAGAACATGTCAAAG[T>C]TAAAACCAGCTCCCAGCCAGGCTTCCTGGAACGGCTGAGCGAGACCTCGGGTGGGATGTT-3'
Protein context (NP_077310.1, residues 7-27): STSTRREHVK[Val17Ala]KTSSQPGFLE

ClinVar aggregate classification (germline): Uncertain significance (1 of 4 stars; one submission).

Conditions:
Cardiomyopathy (CMYO). Also called: Cardiomyopathies. Identifiers: Orphanet 167848, MedGen C0878544, MONDO:0004994, HP:0001638. Inheritance: Various modes of inheritance.

Submission:

Color Diagnostics, LLC DBA Color Health
Classification: Uncertain significance for Cardiomyopathy. Last evaluated: 2023-12-05. Review status: criteria provided, single submitter. Criteria: ACMG Guidelines, 2015. Collection method: clinical testing. Allele origin: germline.
Comment: This missense variant replaces valine with alanine at codon 17 of the TMEM43 protein. Computational prediction tools and conservation analyses are inconclusive regarding the impact of this variant on the protein function. Computational splicing tools suggest that this variant may not impact RNA splicing. To our knowledge, functional assays have not been performed for this variant nor has this variant been reported in individuals affected with cardiovascular disorders in the literature. This variant has not been identified in the general population by the Genome Aggregation Database (gnomAD). Available evidence is insufficient to determine the role of this variant in disease conclusively. Therefore, this variant is classified as a Variant of Uncertain Significance.